The following is an entry in ClinVar:

NM_001846.4(COL4A2):c.1776+1G>T

Genes: COL4A2 (collagen type IV alpha 2 chain; plus strand), COL4A2-AS2 (COL4A2 antisense RNA 2; minus strand). Cytogenetic location: 13q34.
Variant type: single nucleotide variant.
Coding change: c.1776+1G>T on transcript NM_001846.4 (MANE Select); the canonical splice donor site of the intron after coding-DNA position 1776, G replaced by T.
Molecular consequence: splice donor variant.
Genome position (GRCh38, 1-based): chr13:110,462,385, G>T. VCF-style: chr13-110462385-G-T. GRCh37 (hg19) VCF-style: chr13-111114732-G-T.
Identifiers: ClinVar variation 451785 (VCV000451785.2), dbSNP rs886039602, ClinGen allele CA388739020.

ClinVar aggregate classification (germline): Uncertain significance (1 of 4 stars; one submission).

gnomAD v4.1: 2 of 1,611,976 alleles (0.00012%); highest among the groups gnomAD compares: Non-Finnish European, 0.00017%; no homozygotes.

Submission:

GeneDx
Classification: Uncertain significance. Last evaluated: 2017-08-31. Review status: criteria provided, single submitter. Criteria: GeneDx Variant Classification (06012015). Collection method: clinical testing. Allele origin: germline. Affected: yes.
Comment: The c.1776+1G>T variant in the COL4A2 gene has not been reported previously as a pathogenic variant nor as a benign variant, to our knowledge. The c.1776+1G>T variant is not observed in large population cohorts (Lek et al., 2016; 1000 Genomes Consortium et al., 2015; Exome Variant Server). This splice site variant destroys the canonical splice donor site in intron 24. It is predicted to cause abnormal gene splicing, either leading to an abnormal message that is subject to nonsense-mediated mRNA decay, or to an abnormal protein product if the message is used for protein translation. However, loss of function is not an established mechanism of disease for this gene. Therefore, we interpret c.1776+1G>T as a variant of uncertain significance.